The following is an entry in ClinVar:

ClinVar aggregate classification (germline): Benign/Likely benign. Review status: criteria provided, multiple submitters, no conflicts (2 of 4 stars). 6 submissions from 5 submitters: Benign (2); Likely benign (4). Last evaluated 2026-06-01.

Conditions:
Chondrodysplasia Blomstrand type (BOCD). Identifiers: Orphanet 50945, MedGen C1859148, MONDO:0008970, OMIM 215045.
Metaphyseal chondrodysplasia, Jansen type. Also called: PTH1R-Related Jansen Metaphyseal Chondrodysplasia; Metaphyseal chondrodysplasia Murk Jansen type. Identifiers: Orphanet 33067, MedGen C0265295, MONDO:0007982, OMIM 156400.

Allele frequency attached by ClinVar (database versions not stated): 1000 Genomes Project 30x 0.00156; 1000 Genomes Project 0.00180; TOPMed 0.00286; ESP Exome Variant Server 0.00361; gnomAD 0.00413 and 0.00428; ExAC 0.00465.
gnomAD v4.1: 7,758 of 1,614,206 alleles (0.48%); highest among the groups gnomAD compares: Non-Finnish European, 0.58%; 32 homozygotes.

Submissions (6):

CeGaT Center for Human Genetics Tuebingen
Classification: Likely benign. Last evaluated: 2026-06-01. Review status: criteria provided, single submitter. Criteria: CeGaT Center For Human Genetics Tuebingen Variant Classification Criteria Version 2. Collection method: clinical testing. Allele origin: germline. Affected: yes. Observed: 11 variant alleles.
Comment: PTH1R: BP4, BP7, BS2

Labcorp Genetics (formerly Invitae), Labcorp
Classification: Benign. Last evaluated: 2026-01-27. Review status: criteria provided, single submitter. Criteria: Invitae Variant Classification Sherloc (09022015). Collection method: clinical testing. Allele origin: germline.

ARUP Laboratories, Molecular Genetics and Genomics, ARUP Laboratories
Classification: Likely benign. Last evaluated: 2025-06-13. Review status: criteria provided, single submitter. Criteria: ARUP Molecular Germline Variant Investigation Process 2024. Collection method: clinical testing. Allele origin: germline.

GeneDx
Classification: Likely benign. Last evaluated: 2021-05-16. Review status: criteria provided, single submitter. Criteria: GeneDx Variant Classification Process June 2021. Collection method: clinical testing. Allele origin: germline. Affected: yes.
Comment: This variant is associated with the following publications: (PMID: 23771181)

Illumina Laboratory Services, Illumina
Classification: Likely benign for Chondrodysplasia Blomstrand type. Last evaluated: 2018-01-12. Review status: criteria provided, single submitter. Criteria: ICSL Variant Classification Criteria 13 December 2019. Collection method: clinical testing. Allele origin: germline.
Comment: This variant was observed in the ICSL laboratory as part of a predisposition screen in an ostensibly healthy population. It had not been previously curated by ICSL or reported in the Human Gene Mutation Database (HGMD: prior to June 1st, 2018), and was therefore a candidate for classification through an automated scoring system. Utilizing variant allele frequency, disease prevalence and penetrance estimates, and inheritance mode, an automated score was calculated to assess if this variant is too frequent to cause the disease. Based on the score and internal cut-off values, a variant classified as likely benign is not then subjected to further curation. The score for this variant resulted in a classification of likely benign for this disease.

Illumina Laboratory Services, Illumina
Classification: Benign for Metaphyseal chondrodysplasia, Jansen type. Last evaluated: 2018-01-12. Review status: criteria provided, single submitter. Criteria: ICSL Variant Classification Criteria 13 December 2019. Collection method: clinical testing. Allele origin: germline.
Comment: This variant was observed in the ICSL laboratory as part of a predisposition screen in an ostensibly healthy population. It had not been previously curated by ICSL or reported in the Human Gene Mutation Database (HGMD: prior to June 1st, 2018), and was therefore a candidate for classification through an automated scoring system. Utilizing variant allele frequency, disease prevalence and penetrance estimates, and inheritance mode, an automated score was calculated to assess if this variant is too frequent to cause the disease. Based on the score and internal cut-off values, a variant classified as benign is not then subjected to further curation. The score for this variant resulted in a classification of benign for this disease.

NM_000316.3(PTH1R):c.436C>A (p.Arg146=)

Gene: PTH1R (parathyroid hormone 1 receptor; plus strand). Cytogenetic location: 3p21.31.
Variant type: single nucleotide variant.
Coding change: c.436C>A on transcript NM_000316.3 (MANE Select); coding-DNA position 436, C replaced by A.
Protein change: p.Arg146=; no amino-acid change (arginine 146 retained).
Molecular consequence: synonymous variant.
Genome position (GRCh38, 1-based): chr3:46,898,085, C>A. VCF-style: chr3-46898085-C-A. GRCh37 (hg19) VCF-style: chr3-46939575-C-A.
Other names: c.436C>A, p.Arg146= (NM_001184744.1).
Identifiers: ClinVar variation 345587 (VCV000345587.59), dbSNP rs143863124, ClinGen allele CA2359179.